The following is an entry in ClinVar:

NM_015915.5(ATL1):c.1033A>G (p.Lys345Glu)

Gene: ATL1 (atlastin GTPase 1; plus strand). Cytogenetic location: 14q22.1.
Variant type: single nucleotide variant.
Coding change: c.1033A>G on transcript NM_015915.5 (MANE Select); coding-DNA position 1033, A replaced by G.
Protein change: p.Lys345Glu; replaces lysine 345 with glutamic acid.
Molecular consequence: missense variant.
Genome position (GRCh38, 1-based): chr14:50,621,885, A>G. VCF-style: chr14-50621885-A-G. GRCh37 (hg19) VCF-style: chr14-51088603-A-G.
Other names: c.1033A>G, p.Lys345Glu (NM_001127713.1, NM_181598.4); short protein forms K345E.
Identifiers: ClinVar variation 4531482 (VCV004531482.1).

ClinVar aggregate classification (germline): Likely pathogenic (1 of 4 stars; one submission).

Conditions:
Hereditary spastic paraplegia 3A (SPG3A). Also called: SPASTIC PARAPLEGIA 3, AUTOSOMAL DOMINANT; FAMILIAL SPASTIC PARAPLEGIA, AUTOSOMAL DOMINANT, 1; SPG3; STRUMPELL DISEASE; Spastic Paraplegia 3A; Spastic paraplegia 3A, autosomal dominant. Identifiers: Orphanet 100984, MedGen C2931355, MONDO:0008437, OMIM 182600.

Submission:

Victorian Clinical Genetics Services, Murdoch Childrens Research Institute
Classification: Likely pathogenic for Hereditary spastic paraplegia 3A. Last evaluated: 2025-10-27. Review status: criteria provided, single submitter. Criteria: ACMG Guidelines, 2015. Collection method: clinical testing. Allele origin: germline. Affected: yes.
Comment: This variant is classified as Likely pathogenic. Evidence in support of pathogenic classification: Variant is absent from gnomAD (v2, v3 and v4); This variant has moderate functional evidence supporting abnormal protein function. In vitro functional analysis of this variant in drosophila ATL showed defective fusion compared to wildtype (PMID: 21368113); Another missense variant comparable to the one identified in this case has limited previous evidence for pathogenicity. The p.(Lys345Thr) variant has been classified as pathogenic in a submission to LOVD; Additional information: Variant is predicted to result in a missense amino acid change from Lys to Glu; This variant is heterozygous; This gene is associated with autosomal dominant disease. However, rare examples of individuals with biallelic variants in this gene have also been reported (PMID: 24473461, PMID: 26888483); This variant has no previous evidence of pathogenicity; No published evidence of segregation with disease has been identified for this variant; Variant is located in an annotated linker region (PMID: 21368113); Missense variant with inconclusive in silico prediction and/or uninformative conservation; The condition associated with this gene has incomplete penetrance. Reduced penetrance was previously reported in approximately 10% of HSP families (PMID: 28396731)

Literature cited by the submitters: PubMed 21368113; PubMed 28396731; PubMed 24473461; PubMed 26888483.